The following is an entry in ClinVar:

ClinVar aggregate classification (germline): Uncertain significance. Review status: criteria provided, multiple submitters, no conflicts (2 of 4 stars). 2 submissions from 2 submitters: Uncertain significance (2). Last evaluated 2023-05-17.

Conditions:
Inborn genetic diseases. Identifiers: MedGen C0950123, MeSH D030342.

Submissions (2):

Ambry Genetics
Classification: Uncertain significance for Inborn genetic diseases. Last evaluated: 2023-05-17. Review status: criteria provided, single submitter. Criteria: Ambry Variant Classification Scheme 2023. Collection method: clinical testing. Allele origin: germline.

Labcorp Genetics (formerly Invitae), Labcorp
Classification: Uncertain significance. Last evaluated: 2022-10-19. Review status: criteria provided, single submitter. Criteria: Invitae Variant Classification Sherloc (09022015). Collection method: clinical testing. Allele origin: germline.
Comment: In summary, the available evidence is currently insufficient to determine the role of this variant in disease. Therefore, it has been classified as a Variant of Uncertain Significance. Algorithms developed to predict the effect of missense changes on protein structure and function (SIFT, PolyPhen-2, Align-GVGD) all suggest that this variant is likely to be tolerated. This variant has not been reported in the literature in individuals affected with CSF2RB-related conditions. This variant is not present in population databases (gnomAD no frequency). This sequence change replaces serine, which is neutral and polar, with glycine, which is neutral and non-polar, at codon 142 of the CSF2RB protein (p.Ser142Gly).

NM_000395.3(CSF2RB):c.424A>G (p.Ser142Gly)

Gene: CSF2RB (colony stimulating factor 2 receptor subunit beta; plus strand). Cytogenetic location: 22q12.3.
Variant type: single nucleotide variant.
Coding change: c.424A>G on transcript NM_000395.3 (MANE Select); coding-DNA position 424, A replaced by G.
Protein change: p.Ser142Gly; replaces serine 142 with glycine.
Molecular consequence: missense variant.
Genome position (GRCh38, 1-based): chr22:36,929,434, A>G. VCF-style: chr22-36929434-A-G. GRCh37 (hg19) VCF-style: chr22-37325476-A-G.
Other names: c.424A>G (NM_000395.2); c.424A>G, p.Ser142Gly (NM_001410827.1); short protein forms S142G.
Identifiers: ClinVar variation 2082648 (VCV002082648.6), dbSNP rs2517989555, ClinGen allele CA411405486.
Genomic context (GRCh38, chr22:36,929,434, plus strand): 5'-TAGGTGCCCTTCACTTCCTCCCCTCCAGTCCAGCCTCCTGAGCCCAGGGACCTGCAGATC[A>G]GCACCGACCAGGACCACTTCCTGCTGACCTGGAGTGTGGCCCTTGGGAGTCCCCAGAGCC-3'
Protein context (NP_000386.1, residues 132-152): QPPEPRDLQI[Ser142Gly]TDQDHFLLTW